The following is an entry in ClinVar:

ClinVar aggregate classification (germline): Uncertain significance (1 of 4 stars; one submission).

Conditions:
Tuberous sclerosis 1 (TSC1). Identifiers: Orphanet 805, MedGen C1854465, MONDO:0008612, OMIM 191100.

gnomAD v4.1: 1 of 1,614,148 alleles (0.000062%); highest among the groups gnomAD compares: Non-Finnish European, 0.000085%; no homozygotes.

Submission:

Labcorp Genetics (formerly Invitae), Labcorp
Classification: Uncertain significance for Tuberous sclerosis 1. Last evaluated: 2024-08-21. Review status: criteria provided, single submitter. Criteria: Invitae Variant Classification Sherloc (09022015). Collection method: clinical testing. Allele origin: germline.
Comment: This sequence change replaces threonine, which is neutral and polar, with isoleucine, which is neutral and non-polar, at codon 356 of the TSC1 protein (p.Thr356Ile). This variant is not present in population databases (gnomAD no frequency). This variant has not been reported in the literature in individuals affected with TSC1-related conditions. Invitae Evidence Modeling of protein sequence and biophysical properties (such as structural, functional, and spatial information, amino acid conservation, physicochemical variation, residue mobility, and thermodynamic stability) indicates that this missense variant is not expected to disrupt TSC1 protein function with a negative predictive value of 95%. In summary, the available evidence is currently insufficient to determine the role of this variant in disease. Therefore, it has been classified as a Variant of Uncertain Significance.

NM_000368.5(TSC1):c.1067C>T (p.Thr356Ile)

Gene: TSC1 (TSC complex subunit 1; minus strand). Cytogenetic location: 9q34.13.
Variant type: single nucleotide variant.
Coding change: c.1067C>T on transcript NM_000368.5 (MANE Select); coding-DNA position 1067, C replaced by T.
Protein change: p.Thr356Ile; replaces threonine 356 with isoleucine.
Molecular consequence: missense variant. On other transcripts: non-coding transcript variant (5).
Genome position (GRCh38, 1-based): chr9:132,911,076, G>A on the plus strand (C>T on the coding strand, the complement: TSC1 is on the minus strand). VCF-style: chr9-132911076-G-A. GRCh37 (hg19) VCF-style: chr9-135786463-G-A.
Other names: c.1067C>T, p.Thr356Ile (NM_001162426.2, NM_001406592.1, NM_001406593.1 and 16 more transcripts); c.914C>T, p.Thr305Ile (NM_001162427.2, NM_001406610.1, NM_001406611.1 and 2 more transcripts); c.704C>T, p.Thr235Ile (NM_001362177.2, NM_001406617.1, NM_001406618.1 and 10 more transcripts); c.116C>T, p.Thr39Ile (NM_001406626.1, NM_001406627.1, NM_001406628.1); c.17C>T, p.Thr6Ile (NM_001406629.1, NM_001406630.1); short protein forms T356I, T6I, T235I, T39I, T305I.
Identifiers: ClinVar variation 3663174 (VCV003663174.2).